The following is an entry in ClinVar:

NM_001148.6(ANK2):c.10951A>G (p.Thr3651Ala)

Gene: ANK2 (ankyrin 2; plus strand). Cytogenetic location: 4q26.
Variant type: single nucleotide variant.
Coding change: c.10951A>G on transcript NM_001148.6 (MANE Select); coding-DNA position 10951, A replaced by G.
Protein change: p.Thr3651Ala; replaces threonine 3651 with alanine.
Molecular consequence: missense variant.
Genome position (GRCh38, 1-based): chr4:113,365,101, A>G. VCF-style: chr4-113365101-A-G. GRCh37 (hg19) VCF-style: chr4-114286257-A-G.
Other names: c.4669A>G, p.Thr1557Ala (NM_001127493.3); c.4708A>G, p.Thr1570Ala (NM_001354225.2); c.4597A>G, p.Thr1533Ala (NM_001354228.2, NM_001354258.2); c.4675A>G, p.Thr1559Ala (NM_001354230.2); c.4738A>G, p.Thr1580Ala (NM_001354231.2, NM_001354242.2); c.4732A>G, p.Thr1578Ala (NM_001354232.2); c.4693A>G, p.Thr1565Ala (NM_001354235.2, NM_001354246.2, NM_001354265.2); c.4594A>G, p.Thr1532Ala (NM_001354236.2); and 35 more; short protein forms T1438A, T1495A, T1500A, T1504A, T1519A, T1521A, T1545A, T1559A.
Identifiers: ClinVar variation 2450623 (VCV002450623.3), dbSNP rs754847234, ClinGen allele CA3052171.

ClinVar aggregate classification (germline): Conflicting classifications of pathogenicity. Review status: criteria provided, conflicting classifications (1 of 4 stars). 2 submissions from 2 submitters: Uncertain significance (1); Likely benign (1). Last evaluated 2025-08-06.

Conditions:
Cardiovascular phenotype. Identifiers: MedGen CN230736.
Long QT syndrome (LQTS). Identifiers: MedGen C0023976, MeSH D008133, MONDO:0002442. Disease mechanism: loss of function. Inheritance: Various modes of inheritance.

Allele frequency attached by ClinVar (database versions not stated): gnomAD exomes below 0.00001; ExAC 0.00001.
gnomAD v4.1: 1 of 1,613,998 alleles (0.000062%); highest among the groups gnomAD compares: Non-Finnish European, 0.000085%; no homozygotes.

Submissions (2):

Labcorp Genetics (formerly Invitae), Labcorp
Classification: Uncertain significance for Long QT syndrome. Last evaluated: 2025-08-06. Review status: criteria provided, single submitter. Criteria: Invitae Variant Classification Sherloc (09022015). Collection method: clinical testing. Allele origin: germline.
Comment: This sequence change replaces threonine, which is neutral and polar, with alanine, which is neutral and non-polar, at codon 3651 of the ANK2 protein (p.Thr3651Ala). This variant is present in population databases (rs754847234, gnomAD 0.0009%). This variant has not been reported in the literature in individuals affected with ANK2-related conditions. ClinVar contains an entry for this variant (Variation ID: 2450623). An algorithm developed to predict the effect of missense changes on protein structure and function outputs the following: PolyPhen-2: "Benign". The alanine amino acid residue is found in multiple mammalian species, which suggests that this missense change does not adversely affect protein function. In summary, the available evidence is currently insufficient to determine the role of this variant in disease. Therefore, it has been classified as a Variant of Uncertain Significance.

Ambry Genetics
Classification: Likely benign for Cardiovascular phenotype. Last evaluated: 2022-11-19. Review status: criteria provided, single submitter. Criteria: Ambry Variant Classification Scheme 2023. Collection method: clinical testing. Allele origin: germline.